The following is an entry in ClinVar:

NM_000320.3(QDPR):c.482G>T (p.Cys161Phe)

Gene: QDPR (quinoid dihydropteridine reductase; minus strand). Cytogenetic location: 4p15.32.
Variant type: single nucleotide variant.
Coding change: c.482G>T on transcript NM_000320.3 (MANE Select); coding-DNA position 482, G replaced by T.
Protein change: p.Cys161Phe; replaces cysteine 161 with phenylalanine.
Molecular consequence: missense variant.
Genome position (GRCh38, 1-based): chr4:17,492,295, C>A on the plus strand (G>T on the coding strand, the complement: QDPR is on the minus strand). VCF-style: chr4-17492295-C-A. GRCh37 (hg19) VCF-style: chr4-17493918-C-A.
Other names: c.389G>T, p.Cys130Phe (NM_001306140.2); short protein forms C130F, C161F.
Identifiers: ClinVar variation 2967634 (VCV002967634.4), dbSNP rs1384853803, ClinGen allele CA356444803.
Genomic context (GRCh38, chr4:17,492,295, plus strand): 5'-AGCACAGCGATGGCGGCTGCCCCGGGCGGCATGCCGCTGTTCTTCCCAGCCAGGCTCTGG[C>A]AGAGCTGGTGAACAGCACCCTTGGCCATGCCGTACCCGATCATACCTGGGAAATGGGGAG-3'
Protein context (NP_000311.2, residues 151-171): GMAKGAVHQL[Cys161Phe]QSLAGKNSGM

ClinVar aggregate classification (germline): Uncertain significance. Review status: criteria provided, multiple submitters, no conflicts (2 of 4 stars). 2 submissions from 2 submitters: Uncertain significance (2). Last evaluated 2026-03-20.

Conditions:
Dihydropteridine reductase deficiency (HPABH4C). Also called: DHPR DEFICIENCY; BH4-Deficient Hyperphenylalaninemia C; HYPERPHENYLALANINEMIA, TETRAHYDROBIOPTERIN-DEFICIENT, DUE TO DHPR DEFICIENCY; QDPR DEFICIENCY; QUINOID DIHYDROPTERIDINE REDUCTASE DEFICIENCY; Phenylketonuria II. Identifiers: Orphanet 226, Orphanet 238583, MedGen C0268465, MONDO:0009862, OMIM 261630.

gnomAD v4.1: 1 of 1,614,206 alleles (0.000062%); highest among the groups gnomAD compares: Admixed American, 0.0017%; no homozygotes.

Submissions (2):

Women's Health and Genetics/Laboratory Corporation of America, LabCorp
Classification: Uncertain significance. Last evaluated: 2026-03-20. Review status: criteria provided, single submitter. Criteria: LabCorp Variant Classification Summary - May 2015. Collection method: clinical testing. Allele origin: germline.
Comment: Variant summary: QDPR c.482G>T (p.Cys161Phe) results in a non-conservative amino acid change in the encoded protein sequence. Algorithms developed to predict the effect of missense changes on protein structure and function all suggest that this variant is likely to be disruptive. The variant allele was found at a frequency of 4e-06 in 250532 control chromosomes. The available data on variant occurrences in the general population are insufficient to allow any conclusion about variant significance. c.482G>T has been observed in an individual affected with Dihydropteridine Reductase Deficiency (Vela-Amieva_2022). These data do not allow any conclusion about variant significance. To our knowledge, no experimental evidence demonstrating an impact on protein function has been reported. The following publication have been ascertained in the context of this evaluation (PMID: 36313470). ClinVar contains an entry for this variant (Variation ID: 2967634). Based on the evidence outlined above, the variant was classified as uncertain significance.

Labcorp Genetics (formerly Invitae), Labcorp
Classification: Uncertain significance for Dihydropteridine reductase deficiency. Last evaluated: 2024-04-23. Review status: criteria provided, single submitter. Criteria: Invitae Variant Classification Sherloc (09022015). Collection method: clinical testing. Allele origin: germline.
Comment: This sequence change replaces cysteine, which is neutral and slightly polar, with phenylalanine, which is neutral and non-polar, at codon 161 of the QDPR protein (p.Cys161Phe). This variant is present in population databases (no rsID available, gnomAD 0.003%). This missense change has been observed in individual(s) with clinical features of QDPR-related conditions (PMID: 36313470). An algorithm developed to predict the effect of missense changes on protein structure and function (PolyPhen-2) suggests that this variant is likely to be disruptive. In summary, the available evidence is currently insufficient to determine the role of this variant in disease. Therefore, it has been classified as a Variant of Uncertain Significance.

Literature cited by the submitters: PubMed 36313470 (cited by Women's Health and Genetics/Laboratory Corporation of America, LabCorp and Labcorp Genetics (formerly Invitae), Labcorp).